The following is an entry in ClinVar:

ClinVar aggregate classification (germline): Likely pathogenic (1 of 4 stars; one submission).

Conditions:
Hereditary pheochromocytoma and paraganglioma. Also called: Hereditary Paraganglioma-Pheochromocytoma Syndromes; Hereditary paragangliomas and pheochromocytomas; Hereditary pheochromocytoma-paraganglioma. Identifiers: Orphanet 29072, MedGen C4274332, MONDO:0017366.

Submission:

Laboratory for Molecular Medicine, Mass General Brigham Personalized Medicine
Classification: Likely pathogenic for Hereditary pheochromocytoma and paraganglioma. Last evaluated: 2017-04-03. Review status: criteria provided, single submitter. Criteria: LMM Criteria. Collection method: clinical testing. Allele origin: germline. Inheritance: Autosomal dominant inheritance. Observed: 1 variant allele.
Comment: The c.21-3_22del variant in SDHC has not been previously reported in individuals with SDHC-related cancers (hereditary paraganglioma-pheochromocytoma syndrome) and was absent from large population studies. This variant is a deletion that sp ans the invariant region (+/- 1,2) of the splice consensus sequence and is predi cted to cause altered splicing leading to an abnormal or absent protein. A signi ficant fraction of pathogenic SDHC variants are loss of function and splice vari ants, suggesting that the c.21-3_22del variant is disease causing. In summary, a lthough additional studies are required to fully establish its clinical signific ance, the c.21-3_22del variant is likely pathogenic.

NM_003001.5(SDHC):c.21-3_22del

Gene: SDHC (succinate dehydrogenase complex subunit C; plus strand). Cytogenetic location: 1q23.3.
Variant type: Deletion.
Coding change: c.21-3_22del on transcript NM_003001.5 (MANE Select); 3 bases into the intron before coding-DNA position 21 through coding-DNA position 22, 5 bases deleted (CAGAC; older notation c.21-3_22delCAGAC).
Molecular consequence: splice acceptor variant. On other transcripts: intron variant (4).
Genome position (GRCh38, 1-based): chr1:161,323,611-161,323,615, CAGAC deleted. VCF-style (leftmost placement, unchanged base first): chr1-161323610-GCAGAC-G. GRCh37 (hg19) VCF-style: chr1-161293400-GCAGAC-G.
Other names: c.21-3_22delCAGAC (NM_003001.3); c.-91-3_-90del (NM_001407119.1); c.-209-3_-208del (NM_001407120.1); c.21-3_22del (NM_001407115.1, NM_001035511.3, NM_001035512.3 and 2 more transcripts); c.21-4785_21-4781del (NM_001407116.1, NM_001407121.1, NM_001407117.1); c.20+9186_20+9190del (NM_001035513.3).
Identifiers: ClinVar variation 517289 (VCV000517289.6), dbSNP rs1553261757, ClinGen allele CA658795559.